The following is an entry in ClinVar:

NM_024642.5(GALNT12):c.1198C>A (p.Pro400Thr)

Gene: GALNT12 (polypeptide N-acetylgalactosaminyltransferase 12; plus strand). Cytogenetic location: 9q22.33.
Variant type: single nucleotide variant.
Coding change: c.1198C>A on transcript NM_024642.5 (MANE Select); coding-DNA position 1198, C replaced by A.
Protein change: p.Pro400Thr; replaces proline 400 with threonine.
Molecular consequence: missense variant.
Genome position (GRCh38, 1-based): chr9:98,837,134, C>A. VCF-style: chr9-98837134-C-A. GRCh37 (hg19) VCF-style: chr9-101599416-C-A.
Other names: short protein forms P400T.
Identifiers: ClinVar variation 4670631 (VCV004670631.2).

ClinVar aggregate classification (germline): Uncertain significance. Review status: criteria provided, multiple submitters, no conflicts (2 of 4 stars). 2 submissions from 2 submitters: Uncertain significance (2). Last evaluated 2025-11-11.

gnomAD v4.1: 1 of 1,614,164 alleles (0.000062%); highest among the groups gnomAD compares: Non-Finnish European, 0.000085%; no homozygotes.

Submissions (2):

Ambry Genetics
Classification: Uncertain significance. Last evaluated: 2025-11-11. Review status: criteria provided, single submitter. Criteria: Ambry Variant Classification Scheme 2023. Collection method: clinical testing. Allele origin: germline.
Comment: The p.P400T variant (also known as c.1198C>A), located in coding exon 6 of the GALNT12 gene, results from a C to A substitution at nucleotide position 1198. The proline at codon 400 is replaced by threonine, an amino acid with highly similar properties. This amino acid position is conserved. In addition, the in silico prediction for this alteration is inconclusive. Based on the available evidence, the clinical significance of this variant remains unclear.

Blueprint Genetics
Classification: Uncertain significance. Last evaluated: 2023-02-15. Review status: criteria provided, single submitter. Criteria: ACMG Guidelines, 2015. Collection method: clinical testing. Allele origin: germline.